The following is an entry in ClinVar:

NM_130384.3(ATRIP):c.1450C>T (p.His484Tyr)

Genes: ATRIP (ATR interacting protein; plus strand), ATRIP-TREX1 (ATRIP-TREX1 readthrough; plus strand). Cytogenetic location: 3p21.31.
Variant type: single nucleotide variant.
Coding change: c.1450C>T on transcript NM_130384.3 (MANE Select); coding-DNA position 1450, C replaced by T.
Protein change: p.His484Tyr; replaces histidine 484 with tyrosine.
Molecular consequence: missense variant. On other transcripts: non-coding transcript variant (1).
Genome position (GRCh38, 1-based): chr3:48,460,504, C>T. VCF-style: chr3-48460504-C-T. GRCh37 (hg19) VCF-style: chr3-48501903-C-T.
Other names: c.1069C>T, p.His357Tyr (NM_001271022.2); c.1171C>T, p.His391Tyr (NM_001271023.2); c.1450C>T, p.His484Tyr (NM_032166.4); short protein forms H484Y, H357Y, H391Y.
Identifiers: ClinVar variation 4842177 (VCV004842177.1).
Genomic context (GRCh38, chr3:48,460,504, plus strand): 5'-CCTGAGGACTCAGTGTGCATCCTGGAAGGCTTCTCTGTGACTGCACTTAGCATTCTTCAG[C>T]ACCTGGTGTGCCACAGCGGAGCAGTCGTCTCCCTATTACTGTCAGGAGTGGGGGCAGATT-3'
Protein context (NP_569055.1, residues 474-494): FSVTALSILQ[His484Tyr]LVCHSGAVVS

ClinVar aggregate classification (germline): Uncertain significance (1 of 4 stars; one submission).

Submission:

Ambry Genetics
Classification: Uncertain significance. Last evaluated: 2025-12-29. Review status: criteria provided, single submitter. Criteria: Ambry Variant Classification Scheme 2023. Collection method: clinical testing. Allele origin: germline.
Comment: The p.H484Y variant (also known as c.1450C>T), located in coding exon 8 of the ATRIP gene, results from a C to T substitution at nucleotide position 1450. The histidine at codon 484 is replaced by tyrosine, an amino acid with similar properties. This amino acid position is conserved. In addition, this alteration is predicted to be tolerated by in silico analysis. Based on the available evidence, the clinical significance of this variant remains unclear.